The following is an entry in ClinVar:

NM_016111.4(TELO2):c.1792_1793del (p.Gln598fs)

Gene: TELO2 (telomere maintenance 2; plus strand). Cytogenetic location: 16p13.3.
Variant type: Microsatellite.
Coding change: c.1792_1793del on transcript NM_016111.4 (MANE Select); coding-DNA positions 1792 to 1793, 2 bases deleted (CA; older notation c.1792_1793delCA).
Protein change: p.Gln598fs; shifts the reading frame from glutamine 598.
Molecular consequence: frameshift variant.
Genome position (GRCh38, 1-based): chr16:1,502,952-1,502,953, CA deleted; deleting any 2 consecutive bases within chr16:1,502,950-1,502,953 gives the same sequence; the c. name uses the placement nearest the transcript's 3' end. VCF-style (leftmost placement, unchanged base first): chr16-1502949-TCA-T. GRCh37 (hg19) VCF-style: chr16-1552950-TCA-T.
Other names: c.1792_1793del, p.Gln598fs (NM_001351846.2); short protein forms Q598fs.
Identifiers: ClinVar variation 4880626 (VCV004880626.2).

ClinVar aggregate classification (germline): Likely pathogenic (1 of 4 stars; one submission).

Conditions:
TELO2-related intellectual disability-neurodevelopmental disorder. Also called: You-Hoover-Fong syndrome. Identifiers: Orphanet 488642, MedGen C4310778, MONDO:0014848, OMIM 616954.

Submission:

Dasa
Classification: Likely pathogenic for TELO2-related intellectual disability-neurodevelopmental disorder. Last evaluated: 2025-03-11. Review status: criteria provided, single submitter. Criteria: DASA Assertion Criteria. Collection method: clinical testing. Allele origin: germline.
Comment: NM_016111.4(TELO2):c.1792_1793del (p.Gln598Valfs*27) is a frameshift variant in TELO2 predicted to alter the reading frame and introduce a premature termination codon and is predicted to result in an absent or altered protein product. Loss of function is an established disease mechanism for TELO2-associated disorders. Also, this variant is rare in population databases. Based on the currently available evidence, this variant is classified as likely pathogenic.